The following is an entry in ClinVar:

ClinVar aggregate classification (germline): Uncertain significance (1 of 4 stars; one submission).

Conditions:
Hereditary breast ovarian cancer syndrome. Also called: Hereditary breast and ovarian cancer syndrome (HBOC); Hereditary breast and ovarian cancer; Breast and ovarian cancer; BRCA1- and BRCA2-Associated Hereditary Breast and Ovarian Cancer; Hereditary breast and ovarian cancer syndrome; Hereditary breast and/or ovarian cancer syndrome. Identifiers: Orphanet 145, MedGen C0677776, MeSH D061325, MONDO:0003582. Disease mechanism: loss of function.

Submission:

Labcorp Genetics (formerly Invitae), Labcorp
Classification: Uncertain significance for Hereditary breast ovarian cancer syndrome. Last evaluated: 2024-12-09. Review status: criteria provided, single submitter. Criteria: Invitae Variant Classification Sherloc (09022015). Collection method: clinical testing. Allele origin: germline.
Comment: This sequence change replaces isoleucine, which is neutral and non-polar, with phenylalanine, which is neutral and non-polar, at codon 247 of the BRCA2 protein (p.Ile247Phe). This variant is not present in population databases (gnomAD no frequency). This missense change has been observed in individual(s) with breast cancer (PMID: 33278427). ClinVar contains an entry for this variant (Variation ID: 945517). Invitae Evidence Modeling of protein sequence and biophysical properties (such as structural, functional, and spatial information, amino acid conservation, physicochemical variation, residue mobility, and thermodynamic stability) indicates that this missense variant is not expected to disrupt BRCA2 protein function with a negative predictive value of 95%. In summary, the available evidence is currently insufficient to determine the role of this variant in disease. Therefore, it has been classified as a Variant of Uncertain Significance.

Literature cited by the submitters: PubMed 33278427.

NM_000059.4(BRCA2):c.739A>T (p.Ile247Phe)

Gene: BRCA2 (BRCA2 DNA repair associated; plus strand). Cytogenetic location: 13q13.1.
Variant type: single nucleotide variant.
Coding change: c.739A>T on transcript NM_000059.4 (MANE Select); coding-DNA position 739, A replaced by T.
Protein change: p.Ile247Phe; replaces isoleucine 247 with phenylalanine.
Molecular consequence: missense variant.
Genome position (GRCh38, 1-based): chr13:32,330,976, A>T. VCF-style: chr13-32330976-A-T. GRCh37 (hg19) VCF-style: chr13-32905113-A-T.
Other names: short protein forms I247F.
Identifiers: ClinVar variation 945517 (VCV000945517.10), dbSNP rs1169190081, ClinGen allele CA387760058.